The following is an entry in ClinVar:

NM_001349253.2(SCN11A):c.2346A>G (p.Ala782=)

Gene: SCN11A (sodium voltage-gated channel alpha subunit 11; minus strand). Cytogenetic location: 3p22.2.
Variant type: single nucleotide variant.
Coding change: c.2346A>G on transcript NM_001349253.2 (MANE Select); coding-DNA position 2346, A replaced by G.
Protein change: p.Ala782=; no amino-acid change (alanine 782 retained).
Molecular consequence: synonymous variant.
Genome position (GRCh38, 1-based): chr3:38,896,902, T>C on the plus strand (A>G on the coding strand, the complement: SCN11A is on the minus strand). VCF-style: chr3-38896902-T-C. GRCh37 (hg19) VCF-style: chr3-38938393-T-C.
Other names: c.2346A>G, p.Ala782= (NM_014139.3).
Identifiers: ClinVar variation 704306 (VCV000704306.16), dbSNP rs761741584, ClinGen allele CA2322080.

ClinVar aggregate classification (germline): Likely benign. Review status: criteria provided, multiple submitters, no conflicts (2 of 4 stars). 4 submissions from 4 submitters: Likely benign (4). Last evaluated 2026-02-22.

Conditions:
SCN11A-related disorder. Also called: SCN11A-related condition.
Hereditary sensory and autonomic neuropathy type 7. Also called: Neuropathy, hereditary sensory and autonomic, type VII; HSAN VII. Identifiers: Orphanet 391397, MedGen C3809882, MONDO:0014244, OMIM 615548.
Familial episodic pain syndrome with predominantly lower limb involvement. Also called: Episodic pain syndrome, familial, 3. Identifiers: Orphanet 391384, Orphanet 391392, MedGen C3809899, MONDO:0014247, OMIM 615552.

Allele frequency attached by ClinVar (database versions not stated): gnomAD exomes 0.00003; ExAC 0.00004; gnomAD 0.00006.

Submissions (4):

PreventionGenetics, part of Exact Sciences
Classification: Likely benign for SCN11A-related condition. Last evaluated: 2026-02-22. Review status: criteria provided, single submitter. Criteria: ACMG Guidelines, 2015. Collection method: clinical testing. Allele origin: germline.
Comment: This variant is classified as likely benign based on ACMG/AMP sequence variant interpretation guidelines (Richards et al. 2015 PMID: 25741868, with internal and published modifications).

CeGaT Center for Human Genetics Tuebingen
Classification: Likely benign. Last evaluated: 2025-12-01. Review status: criteria provided, single submitter. Criteria: CeGaT Center For Human Genetics Tuebingen Variant Classification Criteria Version 2. Collection method: clinical testing. Allele origin: germline. Affected: yes. Observed: 1 variant allele.
Comment: SCN11A: BP4, BP7

Labcorp Genetics (formerly Invitae), Labcorp
Classification: Likely benign for Familial episodic pain syndrome with predominantly lower limb involvement; Hereditary sensory and autonomic neuropathy type 7. Last evaluated: 2025-06-24. Review status: criteria provided, single submitter. Criteria: Invitae Variant Classification Sherloc (09022015). Collection method: clinical testing. Allele origin: germline.

Blueprint Genetics
Classification: Likely benign. Last evaluated: 2024-11-13. Review status: criteria provided, single submitter. Criteria: ACMG Guidelines, 2015. Collection method: clinical testing. Allele origin: germline.